The following is an entry in ClinVar:

NM_000091.5(COL4A3):c.604T>C (p.Phe202Leu)

Genes: COL4A3 (collagen type IV alpha 3 chain; plus strand), MFF-DT (MFF divergent transcript; minus strand). Cytogenetic location: 2q36.3.
Variant type: single nucleotide variant.
Coding change: c.604T>C on transcript NM_000091.5 (MANE Select); coding-DNA position 604, T replaced by C.
Protein change: p.Phe202Leu; replaces phenylalanine 202 with leucine.
Molecular consequence: missense variant.
Genome position (GRCh38, 1-based): chr2:227,251,197, T>C. VCF-style: chr2-227251197-T-C. GRCh37 (hg19) VCF-style: chr2-228115913-T-C.
Other names: short protein forms F202L.
Identifiers: ClinVar variation 2150953 (VCV002150953.5), dbSNP rs754613272, ClinGen allele CA2146224.

ClinVar aggregate classification (germline): Conflicting classifications of pathogenicity. Review status: criteria provided, conflicting classifications (1 of 4 stars). 2 submissions from 2 submitters: Uncertain significance (1); Likely benign (1). Last evaluated 2026-02-18.

Allele frequency attached by ClinVar (database versions not stated): gnomAD 0.00001; gnomAD exomes 0.00004; ExAC 0.00007.
gnomAD v4.1: 56 of 1,613,304 alleles (0.0035%); highest among the groups gnomAD compares: South Asian, 0.056%; 1 homozygote.

Submissions (2):

GeneDx
Classification: Uncertain significance. Last evaluated: 2026-02-18. Review status: criteria provided, single submitter. Criteria: GeneDx Variant Classification Process June 2021. Collection method: clinical testing. Allele origin: germline.
Comment: In silico analysis suggests that this missense variant does not alter protein structure/function; Has not been previously published as pathogenic or benign to our knowledge; Occurs in the triple helical domain at the X position in the canonical Gly-X-Y repeat; although this variant may have an effect on normal protein folding and function, missense substitution at the X position is not a common mechanism of disease

Labcorp Genetics (formerly Invitae), Labcorp
Classification: Likely benign. Last evaluated: 2025-06-12. Review status: criteria provided, single submitter. Criteria: Invitae Variant Classification Sherloc (09022015). Collection method: clinical testing. Allele origin: germline.